The following is an entry in ClinVar:

ClinVar aggregate classification (germline): Conflicting classifications of pathogenicity. Review status: criteria provided, conflicting classifications (1 of 4 stars). 5 submissions from 5 submitters: Uncertain significance (4); Likely benign (1). Last evaluated 2026-01-27.

Conditions:
Facial dysmorphism-immunodeficiency-livedo-short stature syndrome. Also called: Facial dysmorphism, immunodeficiency, livedo, and short stature; FILS syndrome. Identifiers: Orphanet 352712, MedGen C3554576, MONDO:0014058, OMIM 615139.
Colorectal cancer, susceptibility to, 12 (CRCS12). Also called: COLORECTAL CANCER, SUSCEPTIBILITY TO, ON CHROMOSOME 12q24. Identifiers: Orphanet 220460, MedGen C3554460, MONDO:0014038, OMIM 615083.
Intrauterine growth retardation, metaphyseal dysplasia, adrenal hypoplasia congenita, genital anomalies, and immunodeficiency. Also called: IMAGEI SYNDROME. Identifiers: MedGen C5193036, MONDO:0032684, OMIM 618336.
Hereditary cancer-predisposing syndrome. Also called: Hereditary Cancer Syndrome; Hereditary neoplastic syndrome; Neoplastic Syndromes, Hereditary; Tumor predisposition. Identifiers: Orphanet 140162, MedGen C0027672, MeSH D009386, MONDO:0015356.

Allele frequency attached by ClinVar (database versions not stated): gnomAD 0.00002; gnomAD exomes 0.00002 and 0.00004; ExAC 0.00003; TOPMed 0.00003.
gnomAD v4.1: 28 of 1,613,706 alleles (0.0017%); highest among the groups gnomAD compares: East Asian, 0.0089%; no homozygotes.

Submissions (5):

Labcorp Genetics (formerly Invitae), Labcorp
Classification: Uncertain significance. Last evaluated: 2026-01-27. Review status: criteria provided, single submitter. Criteria: Invitae Variant Classification Sherloc (09022015). Collection method: clinical testing. Allele origin: germline.
Comment: This sequence change replaces arginine, which is basic and polar, with glutamine, which is neutral and polar, at codon 2145 of the POLE protein (p.Arg2145Gln). This variant is present in population databases (rs770009143, gnomAD 0.02%). This variant has not been reported in the literature in individuals affected with POLE-related conditions. ClinVar contains an entry for this variant (Variation ID: 405619). Invitae Evidence Modeling of protein sequence and biophysical properties (such as structural, functional, and spatial information, amino acid conservation, physicochemical variation, residue mobility, and thermodynamic stability) indicates that this missense variant is not expected to disrupt POLE protein function with a negative predictive value of 80%. In summary, the available evidence is currently insufficient to determine the role of this variant in disease. Therefore, it has been classified as a Variant of Uncertain Significance.

Center for Genomic Medicine, Rigshospitalet, Copenhagen University Hospital
Classification: Uncertain significance. Last evaluated: 2025-12-29. Review status: criteria provided, single submitter. Criteria: ACMG Guidelines, 2015. Collection method: clinical testing. Allele origin: germline.

Ambry Genetics
Classification: Likely benign for Hereditary cancer-predisposing syndrome. Last evaluated: 2025-01-07. Review status: criteria provided, single submitter. Criteria: Ambry Variant Classification Scheme 2023. Collection method: clinical testing. Allele origin: germline.

GeneDx
Classification: Uncertain significance. Last evaluated: 2023-12-27. Review status: criteria provided, single submitter. Criteria: GeneDx Variant Classification Process June 2021. Collection method: clinical testing. Allele origin: germline. Affected: yes.
Comment: In silico analysis supports that this missense variant does not alter protein structure/function; Has not been previously published as pathogenic or benign to our knowledge

Fulgent Genetics
Classification: Uncertain significance for Colorectal cancer, susceptibility to, 12; Facial dysmorphism-immunodeficiency-livedo-short stature syndrome; Intrauterine growth retardation, metaphyseal dysplasia, adrenal hypoplasia congenita, genital anomalies, and immunodeficiency. Last evaluated: 2021-08-23. Review status: criteria provided, single submitter. Criteria: ACMG Guidelines, 2015. Collection method: clinical testing. Allele origin: unknown.

NM_006231.4(POLE):c.6434G>A (p.Arg2145Gln)

Gene: POLE (DNA polymerase epsilon, catalytic subunit; minus strand). Cytogenetic location: 12q24.33.
Variant type: single nucleotide variant.
Coding change: c.6434G>A on transcript NM_006231.4 (MANE Select); coding-DNA position 6434, G replaced by A.
Protein change: p.Arg2145Gln; replaces arginine 2145 with glutamine.
Molecular consequence: missense variant.
Genome position (GRCh38, 1-based): chr12:132,626,214, C>T on the plus strand (G>A on the coding strand, the complement: POLE is on the minus strand). VCF-style: chr12-132626214-C-T. GRCh37 (hg19) VCF-style: chr12-133202800-C-T.
Other names: short protein forms R2145Q.
Identifiers: ClinVar variation 405619 (VCV000405619.27), dbSNP rs770009143, ClinGen allele CA6892180.
Genomic context (GRCh38, chr12:132,626,214, plus strand): 5'-CGGCAGAAGTTACAGCTGCGGCAGATGACCTCAGGAAGCACGTAGGAGCGGCAGGGGTCT[C>T]GGAACTGGGCCTCCTCGGAGAACTCGCCGACATCCACCAGGCGAAGCAGGTCTCGGTTCA-3'
Protein context (NP_006222.2, residues 2135-2155): VGEFSEEAQF[Arg2145Gln]DPCRSYVLPE